The following is an entry in ClinVar:

ClinVar aggregate classification (germline): Pathogenic (1 of 4 stars; one submission).

Submission:

Labcorp Genetics (formerly Invitae), Labcorp
Classification: Pathogenic. Last evaluated: 2023-10-13. Review status: criteria provided, single submitter. Criteria: Invitae Variant Classification Sherloc (09022015). Collection method: clinical testing. Allele origin: unknown.
Comment: This variant is a gross deletion of the genomic region encompassing exon(s) 5-12 of the ERCC8 gene, which includes the termination codon. This deletion extends beyond the assayed region for this gene and therefore may encompass additional genes. While this deletion is not anticipated to lead to nonsense mediated decay, it is expected to alter mRNA translation or result in a truncated protein product. This variant has not been reported in the literature in individuals affected with ERCC8-related conditions. This variant disrupts a region of the ERCC8 protein in which other variant(s) (p.Ser351Argfs*31) have been determined to be pathogenic (PMID: 30039856). This suggests that this is a clinically significant region of the protein, and that variants that disrupt it are likely to be disease-causing. For these reasons, this variant has been classified as Pathogenic.

Literature cited by the submitters: PubMed 30039856.

NC_000005.9:g.(?_60170442)_(60200720_?)del

Gene: ERCC8 (ERCC excision repair 8, CSA ubiquitin ligase complex subunit; minus strand). Cytogenetic location: 5q12.1.
Variant type: Deletion.
Identifiers: ClinVar variation 3246436 (VCV003246436.1).